The following is an entry in ClinVar:

ClinVar aggregate classification (germline): Uncertain significance (1 of 4 stars; one submission).

Conditions:
Baraitser-Winter syndrome 1 (BRWS1). Also called: PACHYGYRIA, MENTAL RETARDATION, EPILEPSY, AND CHARACTERISTIC FACIES; MENTAL RETARDATION WITH EPILEPSY AND CHARACTERISTIC FACIES; Cerebrofrontofacial syndrome; BARAITSER-WINTER SYNDROME 1, ATYPICAL. Identifiers: Orphanet 2649, Orphanet 2995, MedGen C1855722, MONDO:0009470, OMIM 243310.

Submission:

Labcorp Genetics (formerly Invitae), Labcorp
Classification: Uncertain significance for Baraitser-Winter syndrome 1. Last evaluated: 2023-10-13. Review status: criteria provided, single submitter. Criteria: Invitae Variant Classification Sherloc (09022015). Collection method: clinical testing. Allele origin: germline.
Comment: This sequence change replaces glutamic acid, which is acidic and polar, with aspartic acid, which is acidic and polar, at codon 276 of the ACTB protein (p.Glu276Asp). This variant is not present in population databases (gnomAD no frequency). This variant has not been reported in the literature in individuals affected with ACTB-related conditions. ClinVar contains an entry for this variant (Variation ID: 1385188). Advanced modeling of protein sequence and biophysical properties (such as structural, functional, and spatial information, amino acid conservation, physicochemical variation, residue mobility, and thermodynamic stability) performed at Invitae indicates that this missense variant is not expected to disrupt ACTB protein function. In summary, the available evidence is currently insufficient to determine the role of this variant in disease. Therefore, it has been classified as a Variant of Uncertain Significance.

NM_001101.5(ACTB):c.828A>C (p.Glu276Asp)

Gene: ACTB (actin beta; minus strand). Cytogenetic location: 7p22.1.
Variant type: single nucleotide variant.
Coding change: c.828A>C on transcript NM_001101.5 (MANE Select); coding-DNA position 828, A replaced by C.
Protein change: p.Glu276Asp; replaces glutamic acid 276 with aspartic acid.
Molecular consequence: missense variant.
Genome position (GRCh38, 1-based): chr7:5,528,160, T>G on the plus strand (A>C on the coding strand, the complement: ACTB is on the minus strand). VCF-style: chr7-5528160-T-G. GRCh37 (hg19) VCF-style: chr7-5567791-T-G.
Other names: short protein forms E276D.
Identifiers: ClinVar variation 1385188 (VCV001385188.8), dbSNP rs2128241241, ClinGen allele CA366700652.